The following is an entry in ClinVar:

NM_020745.4(AARS2):c.2539A>G (p.Thr847Ala)

Gene: AARS2 (alanyl-tRNA synthetase 2, mitochondrial; minus strand). Cytogenetic location: 6p21.1.
Variant type: single nucleotide variant.
Coding change: c.2539A>G on transcript NM_020745.4 (MANE Select); coding-DNA position 2539, A replaced by G.
Protein change: p.Thr847Ala; replaces threonine 847 with alanine.
Molecular consequence: missense variant.
Genome position (GRCh38, 1-based): chr6:44,302,119, T>C on the plus strand (A>G on the coding strand, the complement: AARS2 is on the minus strand). VCF-style: chr6-44302119-T-C. GRCh37 (hg19) VCF-style: chr6-44269856-T-C.
Other names: short protein forms T847A.
Identifiers: ClinVar variation 4537516 (VCV004537516.1).
Genomic context (GRCh38, chr6:44,302,119, plus strand): 5'-CCTGTCCCATTTGCAGCTTACGGATGGCAGTGTTGGCACGCCGCTGCAGCATCTTCACTG[T>C]GGCCAGCAGCTCCCGCCGCTGCCACTGGGGCATCACAGCAGTTTCCACAGCCTATGGCCA-3'
Protein context (NP_065796.2, residues 837-857): PQWQRRELLA[Thr847Ala]VKMLQRRANT

ClinVar aggregate classification (germline): Uncertain significance (1 of 4 stars; one submission).

gnomAD v4.1: 24 of 1,613,654 alleles (0.0015%); highest among the groups gnomAD compares: East Asian, 0.0067%; no homozygotes.

Submission:

GeneDx
Classification: Uncertain significance. Last evaluated: 2025-06-11. Review status: criteria provided, single submitter. Criteria: GeneDx Variant Classification Process June 2021. Collection method: clinical testing. Allele origin: germline. Affected: yes.
Comment: In silico analysis suggests that this missense variant does not alter protein structure/function; Has not been previously published as pathogenic or benign to our knowledge